The following is an entry in ClinVar:

NM_000478.6(ALPL):c.880G>C (p.Asp294His)

Gene: ALPL (alkaline phosphatase, biomineralization associated; plus strand). Cytogenetic location: 1p36.12.
Variant type: single nucleotide variant.
Coding change: c.880G>C on transcript NM_000478.6 (MANE Select); coding-DNA position 880, G replaced by C.
Protein change: p.Asp294His; replaces aspartic acid 294 with histidine.
Molecular consequence: missense variant.
Genome position (GRCh38, 1-based): chr1:21,573,682, G>C. VCF-style: chr1-21573682-G-C. GRCh37 (hg19) VCF-style: chr1-21900175-G-C.
Other names: c.715G>C, p.Asp239His (NM_001127501.4); c.649G>C, p.Asp217His (NM_001177520.3); c.880G>C, p.Asp294His (NM_001369803.2, NM_001369804.2, NM_001369805.2); short protein forms D217H, D239H, D294H.
Identifiers: ClinVar variation 4799865 (VCV004799865.1).

ClinVar aggregate classification (germline): Likely pathogenic (1 of 4 stars; one submission).

gnomAD v4.1: 3 of 1,613,944 alleles (0.00019%); highest among the groups gnomAD compares: African/African-American, 0.0027%; no homozygotes.

Submission:

Labcorp Genetics (formerly Invitae), Labcorp
Classification: Likely pathogenic. Last evaluated: 2025-12-16. Review status: criteria provided, single submitter. Criteria: Invitae Variant Classification Sherloc (09022015). Collection method: clinical testing. Allele origin: germline.
Comment: This sequence change replaces aspartic acid, which is acidic and polar, with histidine, which is basic and polar, at codon 294 of the ALPL protein (p.Asp294His). This variant is not present in population databases (gnomAD no frequency). This variant has not been reported in the literature in individuals affected with ALPL-related conditions. Invitae Evidence Modeling of protein sequence and biophysical properties (such as structural, functional, and spatial information, amino acid conservation, physicochemical variation, residue mobility, and thermodynamic stability) indicates that this missense variant is expected to disrupt ALPL protein function with a positive predictive value of 95%. This variant disrupts the p.Asp294 amino acid residue in ALPL. Other variant(s) that disrupt this residue have been determined to be pathogenic (PMID: 1409720, 10839996, 15694177, 19335222, 22397652, 25731960). This suggests that this residue is clinically significant, and that variants that disrupt this residue are likely to be disease-causing. In summary, the currently available evidence indicates that the variant is pathogenic, but additional data are needed to prove that conclusively. Therefore, this variant has been classified as Likely Pathogenic.

Literature cited by the submitters: PubMed 1409720; PubMed 10839996; PubMed 15694177; PubMed 19335222; PubMed 22397652; PubMed 25731960.